The following is an entry in ClinVar:

NM_001041.4(SI):c.4267+4C>A

Gene: SI (sucrase-isomaltase; minus strand). Cytogenetic location: 3q26.1.
Variant type: single nucleotide variant.
Coding change: c.4267+4C>A on transcript NM_001041.4 (MANE Select); 4 bases into the intron after coding-DNA position 4267, C replaced by A.
Molecular consequence: intron variant.
Genome position (GRCh38, 1-based): chr3:165,007,907, G>T on the plus strand (C>A on the coding strand, the complement: SI is on the minus strand). VCF-style: chr3-165007907-G-T. GRCh37 (hg19) VCF-style: chr3-164725695-G-T.
Identifiers: ClinVar variation 1469271 (VCV001469271.6), dbSNP rs2108156956, ClinGen allele CA2573136709.

ClinVar aggregate classification (germline): Uncertain significance (1 of 4 stars; one submission).

Submission:

Labcorp Genetics (formerly Invitae), Labcorp
Classification: Uncertain significance. Last evaluated: 2024-09-05. Review status: criteria provided, single submitter. Criteria: Invitae Variant Classification Sherloc (09022015). Collection method: clinical testing. Allele origin: germline.
Comment: This sequence change falls in intron 36 of the SI gene. It does not directly change the encoded amino acid sequence of the SI protein. It affects a nucleotide within the consensus splice site. This variant is not present in population databases (gnomAD no frequency). This variant has not been reported in the literature in individuals affected with SI-related conditions. ClinVar contains an entry for this variant (Variation ID: 1469271). Variants that disrupt the consensus splice site are a relatively common cause of aberrant splicing (PMID: 17576681, 9536098). Algorithms developed to predict the effect of sequence changes on RNA splicing suggest that this variant is not likely to affect RNA splicing. In summary, the available evidence is currently insufficient to determine the role of this variant in disease. Therefore, it has been classified as a Variant of Uncertain Significance.

Literature cited by the submitters: PubMed 17576681; PubMed 9536098.